The following is an entry in ClinVar:

ClinVar aggregate classification (germline): Uncertain significance. Review status: criteria provided, multiple submitters, no conflicts (2 of 4 stars). 2 submissions from 2 submitters: Uncertain significance (2). Last evaluated 2025-10-01.

Allele frequency attached by ClinVar (database versions not stated): ExAC 0.00006; gnomAD 0.00008 and 0.00009; TOPMed 0.00009; ESP Exome Variant Server 0.00016.
gnomAD v4.1: 218 of 1,610,666 alleles (0.014%); highest among the groups gnomAD compares: Non-Finnish European, 0.017%; no homozygotes.

Submissions (2):

Labcorp Genetics (formerly Invitae), Labcorp
Classification: Uncertain significance. Last evaluated: 2025-10-01. Review status: criteria provided, single submitter. Criteria: Invitae Variant Classification Sherloc (09022015). Collection method: clinical testing. Allele origin: germline.
Comment: This sequence change replaces arginine, which is basic and polar, with cysteine, which is neutral and slightly polar, at codon 424 of the FGFRL1 protein (p.Arg424Cys). This variant is present in population databases (rs368437012, gnomAD 0.01%). This variant has not been reported in the literature in individuals affected with FGFRL1-related conditions. ClinVar contains an entry for this variant (Variation ID: 1423465). An algorithm developed to predict the effect of missense changes on protein structure and function (PolyPhen-2) suggests that this variant is likely to be disruptive. In summary, the available evidence is currently insufficient to determine the role of this variant in disease. Therefore, it has been classified as a Variant of Uncertain Significance.

Ambry Genetics
Classification: Uncertain significance. Last evaluated: 2025-07-01. Review status: criteria provided, single submitter. Criteria: Ambry Variant Classification Scheme 2023. Collection method: clinical testing. Allele origin: germline.

NM_001004356.3(FGFRL1):c.1270C>T (p.Arg424Cys)

Gene: FGFRL1 (fibroblast growth factor receptor like 1; plus strand). Cytogenetic location: 4p16.3.
Variant type: single nucleotide variant.
Coding change: c.1270C>T on transcript NM_001004356.3 (MANE Select); coding-DNA position 1270, C replaced by T.
Protein change: p.Arg424Cys; replaces arginine 424 with cysteine.
Molecular consequence: missense variant.
Genome position (GRCh38, 1-based): chr4:1,025,102, C>T. VCF-style: chr4-1025102-C-T. GRCh37 (hg19) VCF-style: chr4-1018890-C-T.
Other names: c.1270C>T, p.Arg424Cys (NM_001004358.1, NM_001370296.1, NM_021923.3); c.1270C>T (NM_001004356.2); short protein forms R424C.
Identifiers: ClinVar variation 1423465 (VCV001423465.10), dbSNP rs368437012, ClinGen allele CA2803055.